The following is an entry in ClinVar:

NM_002422.5(MMP3):c.-7A>C

Gene: MMP3 (matrix metallopeptidase 3; minus strand). Cytogenetic location: 11q22.2.
Variant type: single nucleotide variant.
Coding change: c.-7A>C on transcript NM_002422.5 (MANE Select); 7 bases upstream of the start codon, A replaced by C.
Molecular consequence: 5 prime UTR variant.
Genome position (GRCh38, 1-based): chr11:102,843,553, T>G on the plus strand (A>C on the coding strand, the complement: MMP3 is on the minus strand). VCF-style: chr11-102843553-T-G. GRCh37 (hg19) VCF-style: chr11-102714284-T-G.
Identifiers: ClinVar variation 3046190 (VCV003046190.2), dbSNP rs368234859, ClinGen allele CA6251294.
Genomic context (GRCh38, chr11:102,843,553, plus strand): 5'-ATAGGCTGAGCAAACTGCCACGCACAGCAACAGTAGGATTGGAAGACTCTTCATTTCCAC[T>G]GGCTTTACTTAGCTCTATGTTGTCTCTATGCCTTGCTGTCTTGCCTGCCTCCTTGTAGGT-3'

ClinVar aggregate classification (germline): Likely benign (0 of 4 stars; one submission).

Conditions:
MMP3-related disorder. Also called: MMP3-related condition.

Allele frequency attached by ClinVar (database versions not stated): ESP Exome Variant Server 0.00008; gnomAD 0.00008.
gnomAD v4.1: 178 of 1,609,262 alleles (0.011%); highest among the groups gnomAD compares: Non-Finnish European, 0.014%; no homozygotes.

Submission:

PreventionGenetics, part of Exact Sciences
Classification: Likely benign for MMP3-related condition. Last evaluated: 2019-10-28. Review status: no assertion criteria provided. Collection method: clinical testing. Allele origin: germline.
Comment: This variant is classified as likely benign based on ACMG/AMP sequence variant interpretation guidelines (Richards et al. 2015 PMID: 25741868, with internal and published modifications).